The following is an entry in ClinVar:

ClinVar aggregate classification (germline): Uncertain significance (1 of 4 stars; one submission).

Conditions:
Nemaline myopathy 9 (NEM9). Identifiers: MedGen C3810384, MONDO:0014326, OMIM 615731.

Allele frequency attached by ClinVar (database versions not stated): gnomAD exomes below 0.00001; ExAC 0.00001.
gnomAD v4.1: 1 of 1,614,150 alleles (0.000062%); highest among the groups gnomAD compares: South Asian, 0.0011%; no homozygotes.

Submission:

Labcorp Genetics (formerly Invitae), Labcorp
Classification: Uncertain significance for Nemaline myopathy 9. Last evaluated: 2022-03-08. Review status: criteria provided, single submitter. Criteria: Invitae Variant Classification Sherloc (09022015). Collection method: clinical testing. Allele origin: germline.
Comment: This sequence change replaces valine, which is neutral and non-polar, with methionine, which is neutral and non-polar, at codon 75 of the KLHL41 protein (p.Val75Met). In summary, the available evidence is currently insufficient to determine the role of this variant in disease. Therefore, it has been classified as a Variant of Uncertain Significance. Algorithms developed to predict the effect of sequence changes on RNA splicing suggest that this variant may create or strengthen a splice site. Algorithms developed to predict the effect of missense changes on protein structure and function are either unavailable or do not agree on the potential impact of this missense change (SIFT: "Tolerated"; PolyPhen-2: "Probably Damaging"; Align-GVGD: "Class C0"). This variant has not been reported in the literature in individuals affected with KLHL41-related conditions. This variant is present in population databases (rs753001487, gnomAD 0.003%).

NM_006063.3(KLHL41):c.223G>A (p.Val75Met)

Gene: KLHL41 (kelch like family member 41; plus strand). Cytogenetic location: 2q31.1.
Variant type: single nucleotide variant.
Coding change: c.223G>A on transcript NM_006063.3 (MANE Select); coding-DNA position 223, G replaced by A.
Protein change: p.Val75Met; replaces valine 75 with methionine.
Molecular consequence: missense variant.
Genome position (GRCh38, 1-based): chr2:169,510,001, G>A. VCF-style: chr2-169510001-G-A. GRCh37 (hg19) VCF-style: chr2-170366511-G-A.
Other names: short protein forms V75M.
Identifiers: ClinVar variation 1917402 (VCV001917402.5), dbSNP rs753001487, ClinGen allele CA1956470.
Genomic context (GRCh38, chr2:169,510,001, plus strand): 5'-AGTCCTTACTTCCGTGAGTACTTTTTATCTGAAATTGATGAGGCGAAAAAAAAGGAGGTA[G>A]TGCTAGACAATGTGGATCCTGCTATACTTGATTTAATCATCAAATACCTGTACTCTGCCA-3'
Protein context (NP_006054.2, residues 65-85): EIDEAKKKEV[Val75Met]LDNVDPAILD